The following is an entry in ClinVar:

ClinVar aggregate classification (germline): Likely benign. Review status: criteria provided, single submitter (1 of 4 stars). 2 submissions from 2 submitters: Likely benign (1). 1 of the submissions does not count toward it. Last evaluated 2025-10-29.

Conditions:
JAM3-related disorder. Also called: JAM3-related condition.

Allele frequency attached by ClinVar (database versions not stated): ExAC 0.00008; gnomAD 0.00009.
gnomAD v4.1: 152 of 1,614,080 alleles (0.0094%); highest among the groups gnomAD compares: Middle Eastern, 0.016%; no homozygotes.

Submissions (2):

Labcorp Genetics (formerly Invitae), Labcorp
Classification: Likely benign. Last evaluated: 2025-10-29. Review status: criteria provided, single submitter. Criteria: Invitae Variant Classification Sherloc (09022015). Collection method: clinical testing. Allele origin: germline.

PreventionGenetics, part of Exact Sciences
Classification: Likely benign for JAM3-related condition. Last evaluated: 2023-09-29. Review status: no assertion criteria provided. Collection method: clinical testing. Allele origin: germline. Not counted in ClinVar's aggregate classification.
Comment: This variant is classified as likely benign based on ACMG/AMP sequence variant interpretation guidelines (Richards et al. 2015 PMID: 25741868, with internal and published modifications).

NM_032801.5(JAM3):c.713-7T>C

Gene: JAM3 (junctional adhesion molecule 3; plus strand). Cytogenetic location: 11q25.
Variant type: single nucleotide variant.
Coding change: c.713-7T>C on transcript NM_032801.5 (MANE Select); 7 bases into the intron before coding-DNA position 713, T replaced by C.
Molecular consequence: intron variant.
Genome position (GRCh38, 1-based): chr11:134,148,540, T>C. VCF-style: chr11-134148540-T-C. GRCh37 (hg19) VCF-style: chr11-134018435-T-C.
Other names: c.560-7T>C (NM_001205329.2); c.713-7T>C (NM_032801.4).
Identifiers: ClinVar variation 2058358 (VCV002058358.6), dbSNP rs779947297, ClinGen allele CA6370179.